The following is an entry in ClinVar:

NM_017617.5(NOTCH1):c.139G>C (p.Val47Leu)

Gene: NOTCH1 (notch receptor 1; minus strand). Cytogenetic location: 9q34.3.
Variant type: single nucleotide variant.
Coding change: c.139G>C on transcript NM_017617.5 (MANE Select); coding-DNA position 139, G replaced by C.
Protein change: p.Val47Leu; replaces valine 47 with leucine.
Molecular consequence: missense variant.
Genome position (GRCh38, 1-based): chr9:136,544,025, C>G on the plus strand (G>C on the coding strand, the complement: NOTCH1 is on the minus strand). VCF-style: chr9-136544025-C-G. GRCh37 (hg19) VCF-style: chr9-139438477-C-G.
Other names: short protein forms V47L.
Identifiers: ClinVar variation 1771739 (VCV001771739.2), dbSNP rs1331779957, ClinGen allele CA375578682.
Genomic context (GRCh38, chr9:136,544,025, plus strand): 5'-GCAGAAGGCAGGGGCTCTGCCCTCGACAAAGCAACAGGTCCCGCAGGGGTGGTACTCACA[C>G]GCAGGCCTCCGTGCCATTGGCCGCTTCACACTTCCCGCCATTCAGGCAGGTCTCACCGGG-3'
Protein context (NP_060087.3, residues 37-57): CEAANGTEAC[Val47Leu]CGGAFVGPRC

ClinVar aggregate classification (germline): Uncertain significance (1 of 4 stars; one submission).

Conditions:
Familial thoracic aortic aneurysm and aortic dissection (TAAD). Also called: Thoracic aortic aneurysms and dissections. Identifiers: Orphanet 91387, MedGen C4707243, MONDO:0019625.

Submission:

Ambry Genetics
Classification: Uncertain significance for Familial thoracic aortic aneurysm and aortic dissection. Last evaluated: 2022-02-04. Review status: criteria provided, single submitter. Criteria: Ambry Variant Classification Scheme 2023. Collection method: clinical testing. Allele origin: germline.
Comment: The p.V47L variant (also known as c.139G>C), located in coding exon 2 of the NOTCH1 gene, results from a G to C substitution at nucleotide position 139. The valine at codon 47 is replaced by leucine, an amino acid with highly similar properties. This amino acid position is conserved. In addition, this alteration is predicted to be tolerated by in silico analysis. Since supporting evidence is limited at this time, the clinical significance of this alteration remains unclear.